The following is an entry in ClinVar:

ClinVar aggregate classification (germline): Pathogenic (1 of 4 stars; one submission).

Conditions:
Stickler syndrome. Identifiers: Orphanet 828, MedGen C0265253, MONDO:0019354.

Submission:

Cambridge Genomics Laboratory, East Genomic Laboratory Hub, NHS Genomic Medicine Service
Classification: Pathogenic for Stickler syndrome. Last evaluated: 2025-05-08. Review status: criteria provided, single submitter. Criteria: ACGS Best Practice Guidelines for Variant Classification in Rare Disease 2020. Collection method: clinical testing. Allele origin: germline. Affected: yes.
Comment: PVS1,PM2

NM_001844.5(COL2A1):c.438del (p.Gly147fs)

Gene: COL2A1 (collagen type II alpha 1 chain; minus strand). Cytogenetic location: 12q13.11.
Variant type: Deletion.
Coding change: c.438del on transcript NM_001844.5 (MANE Select); coding-DNA position 438, one base deleted (T; older notation c.438delT).
Protein change: p.Gly147fs; shifts the reading frame from glycine 147.
Molecular consequence: frameshift variant.
Genome position (GRCh38, 1-based): chr12:47,997,699, A deleted on the plus strand (T on the coding strand, the reverse complement: COL2A1 is on the minus strand). VCF-style (leftmost placement, unchanged base first): chr12-47997698-CA-C. GRCh37 (hg19) VCF-style: chr12-48391481-CA-C.
Other names: c.231del, p.Gly78fs (NM_033150.3); short protein forms G147fs, G78fs.
Identifiers: ClinVar variation 4683165 (VCV004683165.1).